The following is an entry in ClinVar:

NM_000133.4(F9):c.680T>C (p.Val227Ala)

Gene: F9 (coagulation factor IX; plus strand). Cytogenetic location: Xq27.1.
Variant type: single nucleotide variant.
Coding change: c.680T>C on transcript NM_000133.4 (MANE Select); coding-DNA position 680, T replaced by C.
Protein change: p.Val227Ala; replaces valine 227 with alanine.
Molecular consequence: missense variant.
Genome position (GRCh38, 1-based): chrX:139,551,221, T>C. VCF-style: chrX-139551221-T-C. GRCh37 (hg19) VCF-style: chrX-138633380-T-C.
Other names: c.566T>C, p.Val189Ala (NM_001313913.2); short protein forms V189A, V227A.
Identifiers: ClinVar variation 4688182 (VCV004688182.1).

ClinVar aggregate classification (germline): Pathogenic (1 of 4 stars; one submission).

Conditions:
Moderately severe hemophilia B. Identifiers: Orphanet 169796, MedGen C5679575, MONDO:0015716.

Submission:

Clinical Genetics Laboratory, Skane University Hospital Lund
Classification: Pathogenic for Moderately severe hemophilia B. Last evaluated: 2026-01-30. Review status: criteria provided, single submitter. Criteria: ACMG Guidelines, 2015. Collection method: clinical testing. Allele origin: germline. Inheritance: X-linked inheritance. Affected: yes.
Comment: The variant has been classified as pathogenic using gene-specific criteria (ClinGen Coagulation Factor Deficiency Expert Panel Specifications to the ACMG/AMP Variant Interpretation Guidelines for F9 Version 2.0.0): PS4_Moderate, PM1_Strong, PM2_Supporting, PP3, PP4_Moderate.